The following is an entry in ClinVar:

ClinVar aggregate classification (germline): Uncertain significance. Review status: criteria provided, multiple submitters, no conflicts (2 of 4 stars). 2 submissions from 2 submitters: Uncertain significance (2). Last evaluated 2024-03-24.

Allele frequency attached by ClinVar (database versions not stated): gnomAD exomes below 0.00001; ExAC 0.00001.
gnomAD v4.1: 2 of 1,613,876 alleles (0.00012%); highest among the groups gnomAD compares: Non-Finnish European, 0.00017%; no homozygotes.

Submissions (2):

Ambry Genetics
Classification: Uncertain significance. Last evaluated: 2024-03-24. Review status: criteria provided, single submitter. Criteria: Ambry Variant Classification Scheme 2023. Collection method: clinical testing. Allele origin: germline.
Comment: The p.S1104C variant (also known as c.3311C>G), located in coding exon 17 of the NPAT gene, results from a C to G substitution at nucleotide position 3311. The serine at codon 1104 is replaced by cysteine, an amino acid with dissimilar properties. This amino acid position is conserved. In addition, this alteration is predicted to be tolerated by in silico analysis. Based on the available evidence, the clinical significance of this alteration remains unclear.

Labcorp Genetics (formerly Invitae), Labcorp
Classification: Uncertain significance. Last evaluated: 2023-10-23. Review status: criteria provided, single submitter. Criteria: Invitae Variant Classification Sherloc (09022015). Collection method: clinical testing. Allele origin: germline.
Comment: This sequence change replaces serine, which is neutral and polar, with cysteine, which is neutral and slightly polar, at codon 1104 of the NPAT protein (p.Ser1104Cys). This variant is present in population databases (rs749295073, gnomAD 0.0009%). This variant has not been reported in the literature in individuals affected with NPAT-related conditions. An algorithm developed to predict the effect of missense changes on protein structure and function (PolyPhen-2) suggests that this variant is likely to be tolerated. In summary, the available evidence is currently insufficient to determine the role of this variant in disease. Therefore, it has been classified as a Variant of Uncertain Significance.

NM_002519.3(NPAT):c.3311C>G (p.Ser1104Cys)

Gene: NPAT (nuclear protein, coactivator of histone transcription; minus strand). Cytogenetic location: 11q22.3.
Variant type: single nucleotide variant.
Coding change: c.3311C>G on transcript NM_002519.3 (MANE Select); coding-DNA position 3311, C replaced by G.
Protein change: p.Ser1104Cys; replaces serine 1104 with cysteine.
Molecular consequence: missense variant.
Genome position (GRCh38, 1-based): chr11:108,161,775, G>C on the plus strand (C>G on the coding strand, the complement: NPAT is on the minus strand). VCF-style: chr11-108161775-G-C. GRCh37 (hg19) VCF-style: chr11-108032502-G-C.
Other names: c.3332C>G, p.Ser1111Cys (NM_001321307.1); c.3311C>G (NM_002519.2); short protein forms S1104C, S1111C.
Identifiers: ClinVar variation 2785414 (VCV002785414.4), dbSNP rs749295073, ClinGen allele CA6263601.
Genomic context (GRCh38, chr11:108,161,775, plus strand): 5'-AGAGGAGGCTTCTCTTTCTCTCTTTTGATAGCATTATTAGAAGGGGGTTTTAAGGTGGAG[G>C]ACACATTGGGTGAGTCAAGATTAGGAAAAGAGACTGCATTCCTTTCTTTGTTTTGGGACA-3'
Protein context (NP_002510.2, residues 1094-1114): SFPNLDSPNV[Ser1104Cys]STLKPPSNNA